The following is an entry in ClinVar:

NM_024675.4(PALB2):c.3218T>A (p.Val1073Asp)

Gene: PALB2 (partner and localizer of BRCA2; minus strand). Cytogenetic location: 16p12.2.
Variant type: single nucleotide variant.
Coding change: c.3218T>A on transcript NM_024675.4 (MANE Select); coding-DNA position 3218, T replaced by A.
Protein change: p.Val1073Asp; replaces valine 1073 with aspartic acid.
Molecular consequence: missense variant. On other transcripts: intron variant (8).
Genome position (GRCh38, 1-based): chr16:23,607,996, A>T on the plus strand (T>A on the coding strand, the complement: PALB2 is on the minus strand). VCF-style: chr16-23607996-A-T. GRCh37 (hg19) VCF-style: chr16-23619317-A-T.
Other names: c.3158T>A, p.Val1053Asp (NM_001407296.1); c.3146T>A, p.Val1049Asp (NM_001407297.1); c.3056T>A, p.Val1019Asp (NM_001407298.1); c.2939T>A, p.Val980Asp (NM_001407300.1); c.2333T>A, p.Val778Asp (NM_001407304.1, NM_001407305.1, NM_001407306.1); c.2171T>A, p.Val724Asp (NM_001407307.1); c.1430T>A, p.Val477Asp (NM_001407312.1); c.752T>A, p.Val251Asp (NM_001407314.1); and 6 more; short protein forms V1019D, V1049D, V1053D, V980D, V1073D, V251D, V477D, V724D.
Identifiers: ClinVar variation 3413435 (VCV003413435.1).

ClinVar aggregate classification (germline): Uncertain significance (1 of 4 stars; one submission).

Conditions:
Hereditary cancer-predisposing syndrome. Also called: Neoplastic Syndromes, Hereditary; Tumor predisposition; Hereditary Cancer Syndrome; Hereditary neoplastic syndrome. Identifiers: Orphanet 140162, MedGen C0027672, MeSH D009386, MONDO:0015356.

Submission:

Ambry Genetics
Classification: Uncertain significance for Hereditary cancer-predisposing syndrome. Last evaluated: 2024-06-30. Review status: criteria provided, single submitter. Criteria: Ambry Variant Classification Scheme 2023. Collection method: clinical testing. Allele origin: germline.
Comment: The p.V1073D variant (also known as c.3218T>A), located in coding exon 12 of the PALB2 gene, results from a T to A substitution at nucleotide position 3218. The valine at codon 1073 is replaced by aspartic acid, an amino acid with highly dissimilar properties. This amino acid position is conserved. In addition, the in silico prediction for this alteration is inconclusive. Based on the available evidence, the clinical significance of this variant remains unclear.